The following is an entry in ClinVar:

ClinVar aggregate classification (germline): Uncertain significance. Review status: criteria provided, multiple submitters, no conflicts (2 of 4 stars). 3 submissions from 3 submitters: Uncertain significance (3). Last evaluated 2025-10-03.

Conditions:
Familial adenomatous polyposis 3. Also called: NTHL1-related attenuated familial adenomatous polyposis; NTHL1-Related Adenomatous Polyposis and Colorectal Cancer; NTHL1-associated polyposis; NTHL1 Tumor Syndrome. Identifiers: Orphanet 220460, Orphanet 454840, MedGen C4225157, MONDO:0014630, OMIM 616415.
Hereditary cancer-predisposing syndrome. Also called: Neoplastic Syndromes, Hereditary; Hereditary neoplastic syndrome; Tumor predisposition; Hereditary Cancer Syndrome. Identifiers: Orphanet 140162, MedGen C0027672, MeSH D009386, MONDO:0015356.

Allele frequency attached by ClinVar (database versions not stated): gnomAD exomes below 0.00001; TOPMed below 0.00001; gnomAD 0.00001.
gnomAD v4.1: 2 of 1,613,666 alleles (0.00012%); highest among the groups gnomAD compares: Non-Finnish European, 0.000085%; no homozygotes.

Submissions (3):

Labcorp Genetics (formerly Invitae), Labcorp
Classification: Uncertain significance. Last evaluated: 2025-10-03. Review status: criteria provided, single submitter. Criteria: Invitae Variant Classification Sherloc (09022015). Collection method: clinical testing. Allele origin: germline.
Comment: This sequence change replaces leucine, which is neutral and non-polar, with valine, which is neutral and non-polar, at codon 270 of the NTHL1 protein (p.Leu270Val). This variant is not present in population databases (gnomAD no frequency). This variant has not been reported in the literature in individuals affected with NTHL1-related conditions. ClinVar contains an entry for this variant (Variation ID: 853018). An algorithm developed to predict the effect of missense changes on protein structure and function (PolyPhen-2) suggests that this variant is likely to be disruptive. In summary, the available evidence is currently insufficient to determine the role of this variant in disease. Therefore, it has been classified as a Variant of Uncertain Significance.

Baylor Genetics
Classification: Uncertain significance for Familial adenomatous polyposis 3. Last evaluated: 2023-11-30. Review status: criteria provided, single submitter. Criteria: ACMG Guidelines, 2015. Collection method: clinical testing. Allele origin: unknown.

Ambry Genetics
Classification: Uncertain significance for Hereditary cancer-predisposing syndrome. Last evaluated: 2023-11-06. Review status: criteria provided, single submitter. Criteria: Ambry Variant Classification Scheme 2023. Collection method: clinical testing. Allele origin: germline.
Comment: The p.L270V variant (also known as c.808C>G), located in coding exon 5 of the NTHL1 gene, results from a C to G substitution at nucleotide position 808. The leucine at codon 270 is replaced by valine, an amino acid with highly similar properties. This amino acid position is well conserved in available vertebrate species. In addition, the in silico prediction for this alteration is inconclusive. Since supporting evidence is limited at this time, the clinical significance of this alteration remains unclear.

NM_002528.7(NTHL1):c.784C>G (p.Leu262Val)

Gene: NTHL1 (nth like DNA glycosylase 1; minus strand). Cytogenetic location: 16p13.3.
Variant type: single nucleotide variant.
Coding change: c.784C>G on transcript NM_002528.7 (MANE Select); coding-DNA position 784, C replaced by G.
Protein change: p.Leu262Val; replaces leucine 262 with valine.
Molecular consequence: missense variant.
Genome position (GRCh38, 1-based): chr16:2,040,140, G>C on the plus strand (C>G on the coding strand, the complement: NTHL1 is on the minus strand). VCF-style: chr16-2040140-G-C. GRCh37 (hg19) VCF-style: chr16-2090141-G-C.
Other names: c.613C>G, p.Leu205Val (NM_001318193.2); c.454C>G, p.Leu152Val (NM_001318194.2); short protein forms L262V, L152V, L205V.
Identifiers: ClinVar variation 853018 (VCV000853018.13), dbSNP rs1252431964, ClinGen allele CA394288640.